The following is an entry in ClinVar:

ClinVar aggregate classification (germline): Uncertain significance (1 of 4 stars; one submission).

Conditions:
Hereditary breast ovarian cancer syndrome. Also called: Hereditary breast and ovarian cancer syndrome; Hereditary breast and ovarian cancer; Hereditary breast and ovarian cancer syndrome (HBOC); Breast and ovarian cancer; Hereditary breast and/or ovarian cancer syndrome; BRCA1- and BRCA2-Associated Hereditary Breast and Ovarian Cancer. Identifiers: Orphanet 145, MedGen C0677776, MeSH D061325, MONDO:0003582. Disease mechanism: loss of function.

Submission:

Labcorp Genetics (formerly Invitae), Labcorp
Classification: Uncertain significance for Hereditary breast ovarian cancer syndrome. Last evaluated: 2023-12-13. Review status: criteria provided, single submitter. Criteria: Invitae Variant Classification Sherloc (09022015). Collection method: clinical testing. Allele origin: unknown.
Comment: A copy number gain of the genomic region encompassing the full coding sequence of the BRCA1 gene has been identified. The boundaries of this event are unknown as they extend beyond the assayed region for this gene and therefore may encompass additional genes. As the precise location of this event is unknown, it may be in tandem or it may be located elsewhere in the genome. This variant has not been reported in the literature in individuals affected with BRCA1-related conditions. In summary, the available evidence is currently insufficient to determine the role of this variant in disease. Therefore, it has been classified as a Variant of Uncertain Significance.

NC_000017.10:g.(?_41197695)_(41277500_?)dup

Gene: BRCA1 (BRCA1 DNA repair associated; minus strand). Cytogenetic location: 17q21.31.
Variant type: Duplication.
Identifiers: ClinVar variation 3242996 (VCV003242996.1).